The following is an entry in ClinVar:

NM_198578.4(LRRK2):c.7186G>T (p.Val2396Leu)

Gene: LRRK2 (leucine rich repeat kinase 2; plus strand). Cytogenetic location: 12q12.
Variant type: single nucleotide variant.
Coding change: c.7186G>T on transcript NM_198578.4 (MANE Select); coding-DNA position 7186, G replaced by T.
Protein change: p.Val2396Leu; replaces valine 2396 with leucine.
Molecular consequence: missense variant.
Genome position (GRCh38, 1-based): chr12:40,364,846, G>T. VCF-style: chr12-40364846-G-T. GRCh37 (hg19) VCF-style: chr12-40758648-G-T.
Other names: short protein forms V2396L.
Identifiers: ClinVar variation 1757565 (VCV001757565.4), dbSNP rs201139905, ClinGen allele CA384414418.

ClinVar aggregate classification (germline): Uncertain significance. Review status: criteria provided, multiple submitters, no conflicts (2 of 4 stars). 2 submissions from 2 submitters: Uncertain significance (2). Last evaluated 2024-02-20.

Conditions:
Inborn genetic diseases. Identifiers: MedGen C0950123, MeSH D030342.
Autosomal dominant Parkinson disease 8. Also called: LRRK2-Related Parkinson Disease; Parkinson disease 8; Parkinson disease 8, susceptibility to. Identifiers: Orphanet 411602, MedGen C1846862, MONDO:0011764, OMIM 607060.

Allele frequency attached by ClinVar (database versions not stated): gnomAD 0.00002.
gnomAD v4.1: 4 of 1,607,820 alleles (0.00025%); highest among the groups gnomAD compares: African/African-American, 0.004%; no homozygotes.

Submissions (2):

Labcorp Genetics (formerly Invitae), Labcorp
Classification: Uncertain significance for Autosomal dominant Parkinson disease 8. Last evaluated: 2024-02-20. Review status: criteria provided, single submitter. Criteria: Invitae Variant Classification Sherloc (09022015). Collection method: clinical testing. Allele origin: germline.
Comment: This sequence change replaces valine, which is neutral and non-polar, with leucine, which is neutral and non-polar, at codon 2396 of the LRRK2 protein (p.Val2396Leu). This variant is not present in population databases (gnomAD no frequency). This variant has not been reported in the literature in individuals affected with LRRK2-related conditions. ClinVar contains an entry for this variant (Variation ID: 1757565). Advanced modeling of protein sequence and biophysical properties (such as structural, functional, and spatial information, amino acid conservation, physicochemical variation, residue mobility, and thermodynamic stability) performed at Invitae indicates that this missense variant is not expected to disrupt LRRK2 protein function with a negative predictive value of 80%. In summary, the available evidence is currently insufficient to determine the role of this variant in disease. Therefore, it has been classified as a Variant of Uncertain Significance.

Ambry Genetics
Classification: Uncertain significance for Inborn genetic diseases. Last evaluated: 2022-06-11. Review status: criteria provided, single submitter. Criteria: Ambry Variant Classification Scheme 2023. Collection method: clinical testing. Allele origin: germline.
Comment: The p.V2396L variant (also known as c.7186G>T), located in coding exon 49 of the LRRK2 gene, results from a G to T substitution at nucleotide position 7186. The valine at codon 2396 is replaced by leucine, an amino acid with highly similar properties. This amino acid position is conserved. In addition, this alteration is predicted to be tolerated by in silico analysis. Since supporting evidence is limited at this time, the clinical significance of this alteration remains unclear.